The following is an entry in ClinVar:

NM_004522.3(KIF5C):c.2795C>T (p.Pro932Leu)

Gene: KIF5C (kinesin family member 5C; plus strand). Cytogenetic location: 2q23.2.
Variant type: single nucleotide variant.
Coding change: c.2795C>T on transcript NM_004522.3 (MANE Select); coding-DNA position 2795, C replaced by T.
Protein change: p.Pro932Leu; replaces proline 932 with leucine.
Molecular consequence: missense variant. On other transcripts: non-coding transcript variant (1).
Genome position (GRCh38, 1-based): chr2:149,011,597, C>T. VCF-style: chr2-149011597-C-T. GRCh37 (hg19) VCF-style: chr2-149868111-C-T.
Other names: short protein forms P932L.
Identifiers: ClinVar variation 4075132 (VCV004075132.2).

ClinVar aggregate classification (germline): Uncertain significance. Review status: criteria provided, multiple submitters, no conflicts (2 of 4 stars). 2 submissions from 2 submitters: Uncertain significance (2). Last evaluated 2025-07-08.

Conditions:
Intellectual disability. Also called: Intellectual functioning disability; intellectual disabilities; Intellectual developmental disorder. Identifiers: MedGen C3714756, MeSH D008607, MONDO:0001071, HP:0001249.

gnomAD v4.1: 147 of 1,613,946 alleles (0.0091%); highest among the groups gnomAD compares: Non-Finnish European, 0.012%; no homozygotes.

Submissions (2):

Women's Health and Genetics/Laboratory Corporation of America, LabCorp
Classification: Uncertain significance. Last evaluated: 2025-07-08. Review status: criteria provided, single submitter. Criteria: LabCorp Variant Classification Summary - May 2015. Collection method: clinical testing. Allele origin: germline.
Comment: Variant summary: KIF5C c.2795C>T (p.Pro932Leu) results in a non-conservative amino acid change in the encoded protein sequence. Algorithms developed to predict the effect of missense changes on protein structure and function all suggest that this variant is likely to be disruptive. The variant allele was found at a frequency of 2.8e-05 in 249246 control chromosomes. The available data on variant occurrences in the general population are insufficient to allow any conclusion about variant significance. To our knowledge, no occurrence of c.2795C>T in individuals affected with Complex Cortical Dysplasia With Other Brain Malformations 2 and no experimental evidence demonstrating its impact on protein function have been reported. No submitters have cited clinical-significance assessments for this variant to ClinVar. Based on the evidence outlined above, the variant was classified as uncertain significance.

Cambridge Genomics Laboratory, East Genomic Laboratory Hub, NHS Genomic Medicine Service
Classification: Uncertain significance for Intellectual disability. Last evaluated: 2020-05-29. Review status: criteria provided, single submitter. Criteria: ACGS Best Practice Guidelines for Variant Classification in Rare Disease 2020. Collection method: clinical testing. Allele origin: germline. Affected: yes. Observed: 1 variant allele.